The following is an entry in ClinVar:

NM_000541.5(SAG):c.369C>T (p.Leu123=)

Gene: SAG (S-antigen visual arrestin; plus strand). Cytogenetic location: 2q37.1.
Variant type: single nucleotide variant.
Coding change: c.369C>T on transcript NM_000541.5 (MANE Select); coding-DNA position 369, C replaced by T.
Protein change: p.Leu123=; no amino-acid change (leucine 123 retained).
Molecular consequence: synonymous variant.
Genome position (GRCh38, 1-based): chr2:233,320,817, C>T. VCF-style: chr2-233320817-C-T. GRCh37 (hg19) VCF-style: chr2-234229463-C-T.
Identifiers: ClinVar variation 4085633 (VCV004085633.8).

ClinVar aggregate classification (germline): Likely benign (1 of 4 stars; one submission).

gnomAD v4.1: 1 of 1,588,536 alleles (0.000063%); highest among the groups gnomAD compares: South Asian, 0.0011%; no homozygotes.

Submission:

CeGaT Center for Human Genetics Tuebingen
Classification: Likely benign. Last evaluated: 2025-07-01. Review status: criteria provided, single submitter. Criteria: CeGaT Center For Human Genetics Tuebingen Variant Classification Criteria Version 2. Collection method: clinical testing. Allele origin: germline. Affected: yes. Observed: 1 variant allele.
Comment: SAG: BP4, BP7